The following is an entry in ClinVar:

NM_000359.3(TGM1):c.59dup (p.Thr21fs)

Gene: TGM1 (transglutaminase 1; minus strand). Cytogenetic location: 14q12.
Variant type: Duplication.
Coding change: c.59dup on transcript NM_000359.3 (MANE Select); coding-DNA position 59, one base duplicated (C; older notation c.59dupC).
Protein change: p.Thr21fs; shifts the reading frame from threonine 21.
Molecular consequence: frameshift variant.
Genome position (GRCh38, 1-based): chr14:24,262,294, G duplicated on the plus strand (C on the coding strand, the reverse complement: TGM1 is on the minus strand); the first of 5 consecutive G bases (chr14:24,262,294-24,262,298); duplicating any one gives the same sequence. VCF-style (leftmost placement, unchanged base first): chr14-24262293-A-AG. GRCh37 (hg19) VCF-style: chr14-24731499-A-AG.
Other names: short protein forms T21fs.
Identifiers: ClinVar variation 5004509 (VCV005004509.1).

ClinVar aggregate classification (germline): Pathogenic (1 of 4 stars; one submission).

Conditions:
Autosomal recessive congenital ichthyosis 1 (LI1). Also called: COLLODION FETUS; DESQUAMATION OF NEWBORN; ICHTHYOSIS, CONGENITAL, AUTOSOMAL RECESSIVE 1, WITH BATHING SUIT DISTRIBUTION; ICHTHYOSIS CONGENITA; ICHTHYOSIS CONGENITA II; LAMELLAR EXFOLIATION OF NEWBORN. Identifiers: MedGen C4551630, MONDO:0009441, OMIM 242300.

Submission:

Myriad Genetics, Inc.
Classification: Pathogenic for Autosomal recessive congenital ichthyosis 1. Last evaluated: 2026-03-04. Review status: criteria provided, single submitter. Criteria: Myriad Autosomal Dominant, Autosomal Recessive and X-Linked Classification Criteria (2023). Collection method: clinical testing. Allele origin: unknown.
Comment: NM_000359.2(TGM1):c.59dupC(T21Yfs*39) is a frameshift variant classified as pathogenic in the context of TGM1-related autosomal recessive congenital ichthyosis. T21Yfs*39 has not been observed in cases with relevant disease. Relevant functional assessments of this variant are not available in the literature. T21Yfs*39 has not been observed in referenced population frequency databases. In summary, NM_000359.2(TGM1):c.59dupC(T21Yfs*39) is a frameshift variant in a gene where loss of function is a known mechanism of disease and is predicted to disrupt protein function. Please note: this variant was assessed in the context of healthy population screening.